The following is an entry in ClinVar:

ClinVar aggregate classification (germline): Uncertain significance. Review status: criteria provided, multiple submitters, no conflicts (2 of 4 stars). 3 submissions from 3 submitters: Uncertain significance (2). 1 of the submissions does not count toward it. Last evaluated 2025-07-31.

Conditions:
Usher syndrome type 1 (USH1). Also called: RETINITIS PIGMENTOSA AND CONGENITAL DEAFNESS. Identifiers: Orphanet 231169, Orphanet 886, MedGen C1568247, MONDO:0010168, OMIM 276900.

Allele frequency attached by ClinVar (database versions not stated): TOPMed 0.00007; ESP Exome Variant Server 0.00008.
gnomAD v4.1: 170 of 1,612,014 alleles (0.011%); highest among the groups gnomAD compares: Non-Finnish European, 0.013%; no homozygotes.

Submissions (3):

Labcorp Genetics (formerly Invitae), Labcorp
Classification: Uncertain significance. Last evaluated: 2025-07-31. Review status: criteria provided, single submitter. Criteria: Invitae Variant Classification Sherloc (09022015). Collection method: clinical testing. Allele origin: germline.
Comment: This sequence change replaces valine, which is neutral and non-polar, with isoleucine, which is neutral and non-polar, at codon 2957 of the CDH23 protein (p.Val2957Ile). This variant is present in population databases (rs369587122, gnomAD 0.007%). This variant has not been reported in the literature in individuals affected with CDH23-related conditions. ClinVar contains an entry for this variant (Variation ID: 851787). Invitae Evidence Modeling of protein sequence and biophysical properties (such as structural, functional, and spatial information, amino acid conservation, physicochemical variation, residue mobility, and thermodynamic stability) has been performed for this missense variant. However, the output from this modeling did not meet the statistical confidence thresholds required to predict the impact of this variant on CDH23 protein function. In summary, the available evidence is currently insufficient to determine the role of this variant in disease. Therefore, it has been classified as a Variant of Uncertain Significance.

Blueprint Genetics
Classification: Uncertain significance. Last evaluated: 2024-01-31. Review status: criteria provided, single submitter. Criteria: ACMG Guidelines, 2015. Collection method: clinical testing. Allele origin: germline.

Natera, Inc.
Classification: Uncertain significance for Usher syndrome type 1. Last evaluated: 2020-04-17. Review status: no assertion criteria provided. Collection method: clinical testing. Allele origin: germline. Not counted in ClinVar's aggregate classification.

NM_022124.6(CDH23):c.8869G>A (p.Val2957Ile)

Gene: CDH23 (cadherin related 23; plus strand). Cytogenetic location: 10q22.1.
Variant type: single nucleotide variant.
Coding change: c.8869G>A on transcript NM_022124.6 (MANE Select); coding-DNA position 8869, G replaced by A.
Protein change: p.Val2957Ile; replaces valine 2957 with isoleucine.
Molecular consequence: missense variant.
Genome position (GRCh38, 1-based): chr10:71,809,966, G>A. VCF-style: chr10-71809966-G-A. GRCh37 (hg19) VCF-style: chr10-73569723-G-A.
Other names: c.2149G>A, p.Val717Ile (NM_001171933.1, NM_001171934.1); short protein forms V717I, V2957I.
Identifiers: ClinVar variation 851787 (VCV000851787.7), dbSNP rs369587122, ClinGen allele CA5546775.
Genomic context (GRCh38, chr10:71,809,966, plus strand): 5'-CTGGCAGGCCACAACGACACGGCCATCATCGGCATCTACATCCTGAGGGACGACCAGCGC[G>A]TCAAGATCGTCATTAACGAGATCCCCGACCGTGTGCGCGGCTTCGAGGAGGAGTTCATCC-3'
Protein context (NP_071407.4, residues 2947-2967): GIYILRDDQR[Val2957Ile]KIVINEIPDR